The following is an entry in ClinVar:

NM_001164665.2(KIAA1549):c.2201C>T (p.Thr734Met)

Gene: KIAA1549 (KIAA1549; minus strand). Cytogenetic location: 7q34.
Variant type: single nucleotide variant.
Coding change: c.2201C>T on transcript NM_001164665.2 (MANE Select); coding-DNA position 2201, C replaced by T.
Protein change: p.Thr734Met; replaces threonine 734 with methionine.
Molecular consequence: missense variant.
Genome position (GRCh38, 1-based): chr7:138,917,425, G>A on the plus strand (C>T on the coding strand, the complement: KIAA1549 is on the minus strand). VCF-style: chr7-138917425-G-A. GRCh37 (hg19) VCF-style: chr7-138602171-G-A.
Other names: c.2201C>T, p.Thr734Met (NM_020910.3); short protein forms T734M.
Identifiers: ClinVar variation 1510167 (VCV001510167.5), dbSNP rs952569464, ClinGen allele CA167163463.

ClinVar aggregate classification (germline): Uncertain significance (1 of 4 stars; one submission).

Allele frequency attached by ClinVar (database versions not stated): gnomAD 0.00001 and 0.00002; gnomAD exomes 0.00001; TOPMed 0.00001.
gnomAD v4.1: 21 of 1,613,858 alleles (0.0013%); highest among the groups gnomAD compares: East Asian, 0.0067%; no homozygotes.

Submission:

Labcorp Genetics (formerly Invitae), Labcorp
Classification: Uncertain significance. Last evaluated: 2022-08-23. Review status: criteria provided, single submitter. Criteria: Invitae Variant Classification Sherloc (09022015). Collection method: clinical testing. Allele origin: germline.
Comment: This variant has not been reported in the literature in individuals affected with KIAA1549-related conditions. In summary, the available evidence is currently insufficient to determine the role of this variant in disease. Therefore, it has been classified as a Variant of Uncertain Significance. Algorithms developed to predict the effect of missense changes on protein structure and function output the following: SIFT: "Tolerated"; PolyPhen-2: "Benign"; Align-GVGD: "Class C0". The methionine amino acid residue is found in multiple mammalian species, which suggests that this missense change does not adversely affect protein function. ClinVar contains an entry for this variant (Variation ID: 1510167). This variant is present in population databases (no rsID available, gnomAD 0.02%). This sequence change replaces threonine, which is neutral and polar, with methionine, which is neutral and non-polar, at codon 734 of the KIAA1549 protein (p.Thr734Met).